The following is an entry in ClinVar:

NM_001080510.5(METTL23):c.250A>G (p.Ile84Val)

Gene: METTL23 (methyltransferase 23, arginine; plus strand). Cytogenetic location: 17q25.1.
Variant type: single nucleotide variant.
Coding change: c.250A>G on transcript NM_001080510.5 (MANE Select); coding-DNA position 250, A replaced by G.
Protein change: p.Ile84Val; replaces isoleucine 84 with valine.
Molecular consequence: missense variant.
Genome position (GRCh38, 1-based): chr17:76,733,143, A>G. VCF-style: chr17-76733143-A-G. GRCh37 (hg19) VCF-style: chr17-74729225-A-G.
Other names: c.250A>G, p.Ile84Val (NM_001206983.3, NM_001206984.3, NM_001302703.2 and 2 more transcripts); c.49A>G, p.Ile17Val (NM_001206985.3, NM_001206986.3, NM_001206987.3 and 2 more transcripts); c.238A>G, p.Ile80Val (NM_001302705.2, NM_001378350.1, NM_001378351.1 and 2 more transcripts); c.250A>G (NM_001206983.1); short protein forms I80V, I17V, I84V.
Identifiers: ClinVar variation 1031798 (VCV001031798.2), dbSNP rs527442928, ClinGen allele CA8790104.

ClinVar aggregate classification (germline): Conflicting classifications of pathogenicity. Review status: criteria provided, conflicting classifications (1 of 4 stars). 2 submissions from 2 submitters: Uncertain significance (1); Likely benign (1). Last evaluated 2024-06-16.

Conditions:
Inborn genetic diseases. Identifiers: MedGen C0950123, MeSH D030342.
Intellectual developmental disorder, autosomal recessive 44. Also called: Intellectual disability, autosomal recessive 44. Identifiers: Orphanet 88616, MedGen C4014745, MONDO:0014409, OMIM 615942.

Allele frequency attached by ClinVar (database versions not stated): gnomAD 0.00009; 1000 Genomes Project 30x 0.00016; TOPMed 0.00007; 1000 Genomes Project 0.00020.
gnomAD v4.1: 49 of 1,613,914 alleles (0.003%); highest among the groups gnomAD compares: African/African-American, 0.017%; no homozygotes.

Submissions (2):

Ambry Genetics
Classification: Likely benign for Inborn genetic diseases. Last evaluated: 2024-06-16. Review status: criteria provided, single submitter. Criteria: Ambry Variant Classification Scheme 2023. Collection method: clinical testing. Allele origin: germline.

Baylor Genetics
Classification: Uncertain significance for Intellectual developmental disorder, autosomal recessive 44. Last evaluated: 2018-08-30. Review status: criteria provided, single submitter. Criteria: ACMG Guidelines, 2015. Collection method: clinical testing. Allele origin: maternal. Affected: yes.
Comment: This variant was determined to be of uncertain significance according to ACMG Guidelines, 2015 [PMID:25741868].